The following is an entry in ClinVar:

ClinVar aggregate classification (germline): Uncertain significance (1 of 4 stars; one submission).

Conditions:
RASopathy. Also called: rasopathies; Noonan spectrum disorder. Identifiers: Orphanet 536391, MedGen C5555857, MONDO:0021060.

Submission:

Labcorp Genetics (formerly Invitae), Labcorp
Classification: Uncertain significance for RASopathy. Last evaluated: 2025-12-06. Review status: criteria provided, single submitter. Criteria: Invitae Variant Classification Sherloc (09022015). Collection method: clinical testing. Allele origin: germline.
Comment: This sequence change replaces asparagine, which is neutral and polar, with lysine, which is basic and polar, at codon 319 of the PTPN11 protein (p.Asn319Lys). This variant is not present in population databases (gnomAD no frequency). This variant has not been reported in the literature in individuals affected with PTPN11-related conditions. Invitae Evidence Modeling of protein sequence and biophysical properties (such as structural, functional, and spatial information, amino acid conservation, physicochemical variation, residue mobility, and thermodynamic stability) indicates that this missense variant is not expected to disrupt PTPN11 protein function with a negative predictive value of 95%. In summary, the available evidence is currently insufficient to determine the role of this variant in disease. Therefore, it has been classified as a Variant of Uncertain Significance.

NM_002834.5(PTPN11):c.957C>A (p.Asn319Lys)

Gene: PTPN11 (protein tyrosine phosphatase non-receptor type 11; plus strand). Cytogenetic location: 12q24.13.
Variant type: single nucleotide variant.
Coding change: c.957C>A on transcript NM_002834.5 (MANE Select); coding-DNA position 957, C replaced by A.
Protein change: p.Asn319Lys; replaces asparagine 319 with lysine.
Molecular consequence: missense variant.
Genome position (GRCh38, 1-based): chr12:112,477,880, C>A. VCF-style: chr12-112477880-C-A. GRCh37 (hg19) VCF-style: chr12-112915684-C-A.
Other names: c.957C>A, p.Asn319Lys (NM_001330437.2, NM_080601.3); c.954C>A, p.Asn318Lys (NM_001374625.1); short protein forms N318K, N319K.
Identifiers: ClinVar variation 4803090 (VCV004803090.1).